The following is an entry in ClinVar:

ClinVar aggregate classification (germline): Uncertain significance (1 of 4 stars; one submission).

Conditions:
Cardiovascular phenotype. Identifiers: MedGen CN230736.

gnomAD v4.1: 1 of 1,614,176 alleles (0.000062%); highest among the groups gnomAD compares: East Asian, 0.0022%; no homozygotes.

Submission:

Ambry Genetics
Classification: Uncertain significance for Cardiovascular phenotype. Last evaluated: 2025-07-24. Review status: criteria provided, single submitter. Criteria: Ambry Variant Classification Scheme 2023. Collection method: clinical testing. Allele origin: germline.
Comment: The p.D588Y variant (also known as c.1762G>T), located in coding exon 11 of the CBL gene, results from a G to T substitution at nucleotide position 1762. The aspartic acid at codon 588 is replaced by tyrosine, an amino acid with highly dissimilar properties. This amino acid position is conserved. In addition, this alteration is predicted to be tolerated by in silico analysis. Based on the available evidence, the clinical significance of this variant remains unclear.

NM_005188.4(CBL):c.1762G>T (p.Asp588Tyr)

Gene: CBL (Cbl proto-oncogene; plus strand). Cytogenetic location: 11q23.3.
Variant type: single nucleotide variant.
Coding change: c.1762G>T on transcript NM_005188.4 (MANE Select); coding-DNA position 1762, G replaced by T.
Protein change: p.Asp588Tyr; replaces aspartic acid 588 with tyrosine.
Molecular consequence: missense variant.
Genome position (GRCh38, 1-based): chr11:119,285,387, G>T. VCF-style: chr11-119285387-G-T. GRCh37 (hg19) VCF-style: chr11-119156097-G-T.
Other names: short protein forms D588Y.
Identifiers: ClinVar variation 4219873 (VCV004219873.1).